The following is an entry in ClinVar:

ClinVar aggregate classification (germline): Likely benign. Review status: criteria provided, single submitter (1 of 4 stars). 2 submissions from 2 submitters: Likely benign (1). 1 of the submissions does not count toward it. Last evaluated 2025-12-21.

Conditions:
TCIRG1-related disorder. Also called: TCIRG1-related condition.

Allele frequency attached by ClinVar (database versions not stated): gnomAD 0.00004; gnomAD exomes 0.00004; ExAC 0.00006; TOPMed 0.00006; ESP Exome Variant Server 0.00015.
gnomAD v4.1: 31 of 1,613,364 alleles (0.0019%); highest among the groups gnomAD compares: Middle Eastern, 0.016%; no homozygotes.

Submissions (2):

Labcorp Genetics (formerly Invitae), Labcorp
Classification: Likely benign. Last evaluated: 2025-12-21. Review status: criteria provided, single submitter. Criteria: Invitae Variant Classification Sherloc (09022015). Collection method: clinical testing. Allele origin: germline.

PreventionGenetics, part of Exact Sciences
Classification: Likely benign for TCIRG1-related condition. Last evaluated: 2019-11-07. Review status: no assertion criteria provided. Collection method: clinical testing. Allele origin: germline. Not counted in ClinVar's aggregate classification.
Comment: This variant is classified as likely benign based on ACMG/AMP sequence variant interpretation guidelines (Richards et al. 2015 PMID: 25741868, with internal and published modifications).

NM_006019.4(TCIRG1):c.1371C>T (p.Thr457=)

Gene: TCIRG1 (T cell immune regulator 1, ATPase H+ transporting V0 subunit a3; plus strand). Cytogenetic location: 11q13.2.
Variant type: single nucleotide variant.
Coding change: c.1371C>T on transcript NM_006019.4 (MANE Select); coding-DNA position 1371, C replaced by T.
Protein change: p.Thr457=; no amino-acid change (threonine 457 retained).
Molecular consequence: synonymous variant.
Genome position (GRCh38, 1-based): chr11:68,047,712, C>T. VCF-style: chr11-68047712-C-T. GRCh37 (hg19) VCF-style: chr11-67815179-C-T.
Other names: c.477C>T, p.Thr159= (NM_001351059.2); c.723C>T, p.Thr241= (NM_006053.4); c.1371C>T (NM_006019.3).
Identifiers: ClinVar variation 1083855 (VCV001083855.11), dbSNP rs376526455, ClinGen allele CA6147087.
Genomic context (GRCh38, chr11:68,047,712, plus strand): 5'-GCAGACTTTCTTCAGGGGCCGCTACCTGCTCCTGCTTATGGGCCTGTTCTCCATCTACAC[C>T]GGCTTCATCTACAACGAGTGCTTCAGTCGCGCCACCAGCATCTTCCCCTCGGGCTGGAGT-3'
Protein context (NP_006010.2, residues 447-467): LLLMGLFSIY[Thr457=]GFIYNECFSR